The following is an entry in ClinVar:

NM_025114.4(CEP290):c.2245C>T (p.Leu749Phe)

Gene: CEP290 (centrosomal protein 290; minus strand). Cytogenetic location: 12q21.32.
Variant type: single nucleotide variant.
Coding change: c.2245C>T on transcript NM_025114.4 (MANE Select); coding-DNA position 2245, C replaced by T.
Protein change: p.Leu749Phe; replaces leucine 749 with phenylalanine.
Molecular consequence: missense variant.
Genome position (GRCh38, 1-based): chr12:88,111,324, G>A on the plus strand (C>T on the coding strand, the complement: CEP290 is on the minus strand). VCF-style: chr12-88111324-G-A. GRCh37 (hg19) VCF-style: chr12-88505101-G-A.
Other names: short protein forms L749F.
Identifiers: ClinVar variation 841820 (VCV000841820.7), dbSNP rs2038674474, ClinGen allele CA385974690.

ClinVar aggregate classification (germline): Uncertain significance. Review status: criteria provided, multiple submitters, no conflicts (2 of 4 stars). 3 submissions from 3 submitters: Uncertain significance (2). 1 of the submissions does not count toward it. Last evaluated 2022-07-08.

Conditions:
Senior-Loken syndrome 6 (SLSN6). Identifiers: Orphanet 3156, MedGen C1857779, MONDO:0012433, OMIM 610189.
Leber congenital amaurosis 10 (LCA10). Identifiers: Orphanet 65, MedGen C1857821, MONDO:0012723, OMIM 611755.
Meckel syndrome, type 4 (MKS4). Also called: MECKEL-GRUBER SYNDROME, TYPE 4. Identifiers: Orphanet 564, MedGen C1970161, MONDO:0012626, OMIM 611134.
Joubert syndrome 5 (JBTS5). Identifiers: Orphanet 2318, MedGen C1857780, MONDO:0012432, OMIM 610188.
Meckel-Gruber syndrome. Also called: DYSENCEPHALIA SPLANCHNOCYSTICA; GRUBER SYNDROME; Dysencephalia splachnocystica. Identifiers: Orphanet 564, MedGen C0265215, MONDO:0018921.
Nephronophthisis. Also called: Juvenile Nephronophthisis. Identifiers: Orphanet 655, MedGen C0687120, MONDO:0019005, HP:0000090.
Joubert syndrome. Also called: CEREBELLOPARENCHYMAL DISORDER IV; JOUBERT-BOLTSHAUSER SYNDROME; Familial aplasia of the vermis. Identifiers: Orphanet 475, MedGen C5979921, MONDO:0018772.
Leber congenital amaurosis (LCA). Also called: Leber's amaurosis. Identifiers: Orphanet 65, MedGen C0339527, MeSH D057130, MONDO:0018998.

gnomAD v4.1: 25 of 1,560,306 alleles (0.0016%); highest among the groups gnomAD compares: Non-Finnish European, 0.0022%; no homozygotes.

Submissions (3):

New York Genome Center
Classification: Uncertain significance for Joubert syndrome 5; Leber congenital amaurosis 10; Meckel syndrome, type 4; Senior-Loken syndrome 6. Last evaluated: 2022-07-08. Review status: criteria provided, single submitter. Criteria: NYGC Assertion Criteria 2020. Collection method: clinical testing. Allele origin: germline. Observed: 1 heterozygote.

Labcorp Genetics (formerly Invitae), Labcorp
Classification: Uncertain significance for Joubert syndrome; Meckel-Gruber syndrome; Nephronophthisis. Last evaluated: 2022-03-04. Review status: criteria provided, single submitter. Criteria: Invitae Variant Classification Sherloc (09022015). Collection method: clinical testing. Allele origin: germline.
Comment: This sequence change replaces leucine, which is neutral and non-polar, with phenylalanine, which is neutral and non-polar, at codon 749 of the CEP290 protein (p.Leu749Phe). This variant is not present in population databases (gnomAD no frequency). This variant has not been reported in the literature in individuals affected with CEP290-related conditions. ClinVar contains an entry for this variant (Variation ID: 841820). Algorithms developed to predict the effect of missense changes on protein structure and function are either unavailable or do not agree on the potential impact of this missense change (SIFT: "Deleterious"; PolyPhen-2: "Probably Damaging"; Align-GVGD: "Class C0"). In summary, the available evidence is currently insufficient to determine the role of this variant in disease. Therefore, it has been classified as a Variant of Uncertain Significance.

Natera, Inc.
Classification: Uncertain significance for Leber congenital amaurosis. Last evaluated: 2020-02-21. Review status: no assertion criteria provided. Collection method: clinical testing. Allele origin: germline. Not counted in ClinVar's aggregate classification.